The following is an entry in ClinVar:

ClinVar aggregate classification (germline): Benign/Likely benign. Review status: criteria provided, multiple submitters, no conflicts (2 of 4 stars). 8 submissions from 8 submitters: Benign (5); Likely benign (1). 2 of the submissions do not count toward it. Last evaluated 2026-01-31.

Conditions:
Autoinflammatory syndrome. Identifiers: Orphanet 93665, MedGen C3890737, MONDO:0019751.
Hermansky-Pudlak syndrome 2 (HPS2). Also called: Platelet defects and oculocutaneous albinism. Identifiers: Orphanet 183678, Orphanet 79430, MedGen C1842362, MONDO:0011997, OMIM 608233.

Allele frequency attached by ClinVar (database versions not stated): TOPMed 0.00180; ESP Exome Variant Server 0.00261; gnomAD exomes 0.00374 and 0.00467; gnomAD 0.00382 and 0.00398; ExAC 0.00483; 1000 Genomes Project 30x 0.00109.
gnomAD v4.1: 5,976 of 1,611,118 alleles (0.37%); highest among the groups gnomAD compares: Non-Finnish European, 0.35%; 46 homozygotes.

Submissions (8):

Labcorp Genetics (formerly Invitae), Labcorp
Classification: Benign for Hermansky-Pudlak syndrome 2. Last evaluated: 2026-01-31. Review status: criteria provided, single submitter. Criteria: Invitae Variant Classification Sherloc (09022015). Collection method: clinical testing. Allele origin: germline.

Mayo Clinic Laboratories, Mayo Clinic
Classification: Benign. Last evaluated: 2025-05-07. Review status: criteria provided, single submitter. Criteria: ACMG Guidelines, 2015. Collection method: clinical testing. Allele origin: germline. Observed: 10 variant alleles.
Comment: BA1, BS2, BP4, BP7

CeGaT Center for Human Genetics Tuebingen
Classification: Likely benign. Last evaluated: 2024-12-01. Review status: criteria provided, single submitter. Criteria: CeGaT Center For Human Genetics Tuebingen Variant Classification Criteria Version 2. Collection method: clinical testing. Allele origin: germline. Affected: yes. Observed: 1 variant allele.
Comment: AP3B1: BP4, BS2

Genome Diagnostics Laboratory, The Hospital for Sick Children
Classification: Benign for Autoinflammatory syndrome. Last evaluated: 2021-03-25. Review status: criteria provided, single submitter. Criteria: ACMG Guidelines, 2015. Collection method: clinical testing. Allele origin: germline. Affected: yes.

Johns Hopkins Genomics, Johns Hopkins University
Classification: Benign for Hermansky-Pudlak syndrome 2. Last evaluated: 2019-04-23. Review status: criteria provided, single submitter. Criteria: ACMG Guidelines, 2015. Collection method: clinical testing. Allele origin: germline.

Laboratory for Molecular Medicine, Mass General Brigham Personalized Medicine
Classification: Benign. Last evaluated: 2013-02-21. Review status: criteria provided, single submitter. Criteria: LMM Criteria. Collection method: clinical testing. Allele origin: germline. Observed: 1 variant allele.
Comment: Ala960Ala in exon 24 of AP3B1: This variant is not expected to have clinical sig nificance because it does not alter an amino acid residue and is not located wit hin the splice consensus sequence. It has been identified in 0.4% (32/8600) of E uropean American chromosomes from a broad population by the NHLBI Exome Sequenci ng Project (dbSNP rs62001052).

Clinical Genetics DNA and cytogenetics Diagnostics Lab, Erasmus MC, Erasmus Medical Center
Classification: Likely benign. Review status: no assertion criteria provided. Collection method: clinical testing. Allele origin: germline. Affected: yes. Study: VKGL Data-share Consensus. Not counted in ClinVar's aggregate classification.

Clinical Genetics, Academic Medical Center
Classification: Benign. Review status: no assertion criteria provided. Collection method: clinical testing. Allele origin: germline. Affected: yes. Study: VKGL Data-share Consensus. Not counted in ClinVar's aggregate classification.

NM_003664.5(AP3B1):c.2880C>T (p.Ala960=)

Gene: AP3B1 (adaptor related protein complex 3 subunit beta 1; minus strand). Cytogenetic location: 5q14.1.
Variant type: single nucleotide variant.
Coding change: c.2880C>T on transcript NM_003664.5 (MANE Select); coding-DNA position 2880, C replaced by T.
Protein change: p.Ala960=; no amino-acid change (alanine 960 retained).
Molecular consequence: synonymous variant.
Genome position (GRCh38, 1-based): chr5:78,034,375, G>A on the plus strand (C>T on the coding strand, the complement: AP3B1 is on the minus strand). VCF-style: chr5-78034375-G-A. GRCh37 (hg19) VCF-style: chr5-77330199-G-A.
Other names: p.Ala960=; c.2733C>T, p.Ala911= (NM_001271769.2).
Identifiers: ClinVar variation 354223 (VCV000354223.39), dbSNP rs62001052, ClinGen allele CA3316654.
Genomic context (GRCh38, chr5:78,034,375, plus strand): 5'-TATCCTTTACAGGTTATATAAAAAATAGAAGAACAATTGAACTTACCACAACTGGAAACT[G>A]GCAGTCTGAGTAGAATCACAAAAGTCAATACCCATTGAAACTGTAATGGATCCCTCAGGC-3'
Protein context (NP_003655.3, residues 950-970): GIDFCDSTQT[Ala960=]SFQLCTKDDC